The following is an entry in ClinVar:

ClinVar aggregate classification (germline): Uncertain significance (1 of 4 stars; one submission).

Allele frequency attached by ClinVar (database versions not stated): ExAC 0.00001; TOPMed 0.00001.

Submission:

Labcorp Genetics (formerly Invitae), Labcorp
Classification: Uncertain significance. Last evaluated: 2023-12-07. Review status: criteria provided, single submitter. Criteria: Invitae Variant Classification Sherloc (09022015). Collection method: clinical testing. Allele origin: germline.
Comment: This sequence change replaces arginine, which is basic and polar, with glutamine, which is neutral and polar, at codon 43 of the FZD4 protein (p.Arg43Gln). The frequency data for this variant in the population databases is considered unreliable, as metrics indicate poor data quality at this position in the gnomAD database. This variant has not been reported in the literature in individuals affected with FZD4-related conditions. ClinVar contains an entry for this variant (Variation ID: 2065803). Advanced modeling of protein sequence and biophysical properties (such as structural, functional, and spatial information, amino acid conservation, physicochemical variation, residue mobility, and thermodynamic stability) performed at Invitae indicates that this missense variant is not expected to disrupt FZD4 protein function with a negative predictive value of 80%. In summary, the available evidence is currently insufficient to determine the role of this variant in disease. Therefore, it has been classified as a Variant of Uncertain Significance.

NM_012193.4(FZD4):c.128G>A (p.Arg43Gln)

Gene: FZD4 (frizzled class receptor 4; minus strand). Cytogenetic location: 11q14.2.
Variant type: single nucleotide variant.
Coding change: c.128G>A on transcript NM_012193.4 (MANE Select); coding-DNA position 128, G replaced by A.
Protein change: p.Arg43Gln; replaces arginine 43 with glutamine.
Molecular consequence: missense variant.
Genome position (GRCh38, 1-based): chr11:86,954,958, C>T on the plus strand (G>A on the coding strand, the complement: FZD4 is on the minus strand). VCF-style: chr11-86954958-C-T. GRCh37 (hg19) VCF-style: chr11-86666000-C-T.
Other names: short protein forms R43Q.
Identifiers: ClinVar variation 2065803 (VCV002065803.4), dbSNP rs775817244, ClinGen allele CA6218522.